The following is an entry in ClinVar:

ClinVar aggregate classification (germline): Uncertain significance (1 of 4 stars; one submission).

Allele frequency attached by ClinVar (database versions not stated): gnomAD 0.00007 and 0.00008; TOPMed 0.00008; ExAC 0.00011; gnomAD exomes 0.00011 and 0.00012; ESP Exome Variant Server 0.00015.
gnomAD v4.1: 176 of 1,613,974 alleles (0.011%); highest among the groups gnomAD compares: Non-Finnish European, 0.014%; 2 homozygotes.

Submission:

Laboratory for Molecular Medicine, Mass General Brigham Personalized Medicine
Classification: Uncertain significance. Last evaluated: 2014-01-13. Review status: criteria provided, single submitter. Criteria: LMM Criteria. Collection method: clinical testing. Allele origin: germline. Observed: 1 variant allele.
Comment: Variant classified as Uncertain Significance - Favor Benign. The Lys1031Glu vari ant in MYO1A has been previously reported in one individual with hearing loss at tributed to two pathogenic variants in GJB2 (Shearer 2013). It has also been ide ntified in 0.02% (2/8600) of European American chromosomes by the NHLBI Exome Se quencing Project (dbSNP rs371613423). Computationa l analyses (amino acid biochemical properties, conservation, AlignGVGD, PolyPhen 2, SIFT) suggest this variant may impact the protein, though this information is not predictive enough to determine pathogenicity. In summary, the clinical sign ificance of this variant cannot be determined with certainty at this time; howev er, based upon the identification of this variant in an individual with an alter nate cause of hearing loss (reported in Shearer 2013), we would lean towards a m ore likely benign role.

Literature cited by the submitters: PubMed 23804846.

NM_005379.4(MYO1A):c.3091A>G (p.Lys1031Glu)

Gene: MYO1A (myosin IA; minus strand). Cytogenetic location: 12q13.3.
Variant type: single nucleotide variant.
Coding change: c.3091A>G on transcript NM_005379.4 (MANE Select); coding-DNA position 3091, A replaced by G.
Protein change: p.Lys1031Glu; replaces lysine 1031 with glutamic acid.
Molecular consequence: missense variant.
Genome position (GRCh38, 1-based): chr12:57,028,796, T>C on the plus strand (A>G on the coding strand, the complement: MYO1A is on the minus strand). VCF-style: chr12-57028796-T-C. GRCh37 (hg19) VCF-style: chr12-57422580-T-C.
Other names: c.3091A>G, p.Lys1031Glu (NM_001256041.2); short protein forms K1031E.
Identifiers: ClinVar variation 178453 (VCV000178453.4), dbSNP rs371613423, ClinGen allele CA182361.